The following is an entry in ClinVar:

ClinVar aggregate classification (germline): Pathogenic/Likely pathogenic. Review status: criteria provided, multiple submitters, no conflicts (2 of 4 stars). 4 submissions from 4 submitters: Pathogenic (1); Likely pathogenic (2). 1 of the submissions does not count toward it. Last evaluated 2025-03-18.

Conditions:
Severe early-childhood-onset retinal dystrophy (STGD1). Also called: MACULAR DYSTROPHY WITH FLECKS, TYPE 1; STGD; Stargardt macular dystrophy; Juvenile onset macular degeneration; Stargardt disease 1. Identifiers: Orphanet 364055, Orphanet 827, MedGen C1855465, MeSH D000080362, MONDO:0009549, OMIM 248200.
Retinal dystrophy. Also called: Inherited retinal dystrophy. Identifiers: Orphanet 71862, MedGen C0854723, MeSH D058499, MONDO:0019118, HP:0000556.

Submissions (4):

Labcorp Genetics (formerly Invitae), Labcorp
Classification: Pathogenic. Last evaluated: 2025-03-18. Review status: criteria provided, single submitter. Criteria: Invitae Variant Classification Sherloc (09022015). Collection method: clinical testing. Allele origin: germline.
Comment: This sequence change replaces leucine, which is neutral and non-polar, with proline, which is neutral and non-polar, at codon 2033 of the ABCA4 protein (p.Leu2033Pro). This variant is not present in population databases (gnomAD no frequency). This missense change has been observed in individuals with Stargardt disease (PMID: 25474345, 28041643). ClinVar contains an entry for this variant (Variation ID: 438104). Invitae Evidence Modeling of protein sequence and biophysical properties (such as structural, functional, and spatial information, amino acid conservation, physicochemical variation, residue mobility, and thermodynamic stability) indicates that this missense variant is expected to disrupt ABCA4 protein function with a positive predictive value of 95%. This variant disrupts the p.Leu2033 amino acid residue in ABCA4. Other variant(s) that disrupt this residue have been determined to be pathogenic (PMID: 22229821, 25346251, 28041643, 30718709, 32581362). This suggests that this residue is clinically significant, and that variants that disrupt this residue are likely to be disease-causing. For these reasons, this variant has been classified as Pathogenic.

Institute of Medical Genetics and Applied Genomics, University Hospital Tübingen
Classification: Likely pathogenic for Severe early-childhood-onset retinal dystrophy. Last evaluated: 2024-12-10. Review status: criteria provided, single submitter. Criteria: ACMG Guidelines, 2015. Collection method: clinical testing. Allele origin: germline. Inheritance: Autosomal recessive inheritance. Affected: yes.

Institute of Human Genetics, Univ. Regensburg, Univ. Regensburg
Classification: Likely pathogenic for Retinal dystrophy. Last evaluated: 2021-01-01. Review status: criteria provided, single submitter. Criteria: ACMG Guidelines, 2015. Collection method: clinical testing. Allele origin: germline. Affected: yes.

NIHR Bioresource Rare Diseases, University of Cambridge
Classification: Likely pathogenic. Last evaluated: 2015-01-01. Review status: no assertion criteria provided. Collection method: research. Allele origin: unknown. Affected: yes. Observed: 1 variant allele. Not counted in ClinVar's aggregate classification.

Literature cited by the submitters: PubMed 25474345 (cited by Labcorp Genetics (formerly Invitae), Labcorp and Institute of Human Genetics, Univ. Regensburg, Univ. Regensburg); PubMed 28041643 (cited by 3 submitters); PubMed 22229821 (cited by Labcorp Genetics (formerly Invitae), Labcorp); PubMed 25346251 (cited by Labcorp Genetics (formerly Invitae), Labcorp); PubMed 30718709 (cited by Labcorp Genetics (formerly Invitae), Labcorp); PubMed 32581362 (cited by Labcorp Genetics (formerly Invitae), Labcorp and Institute of Human Genetics, Univ. Regensburg, Univ. Regensburg); PubMed 33301772 (cited by Institute of Human Genetics, Univ. Regensburg, Univ. Regensburg); PubMed 36460718 (cited by Institute of Human Genetics, Univ. Regensburg, Univ. Regensburg).

NM_000350.3(ABCA4):c.6098T>C (p.Leu2033Pro)

Gene: ABCA4 (ATP binding cassette subfamily A member 4; minus strand). Cytogenetic location: 1p22.1.
Variant type: single nucleotide variant.
Coding change: c.6098T>C on transcript NM_000350.3 (MANE Select); coding-DNA position 6098, T replaced by C.
Protein change: p.Leu2033Pro; replaces leucine 2033 with proline.
Molecular consequence: missense variant.
Genome position (GRCh38, 1-based): chr1:94,005,490, A>G on the plus strand (T>C on the coding strand, the complement: ABCA4 is on the minus strand). VCF-style: chr1-94005490-A-G. GRCh37 (hg19) VCF-style: chr1-94471046-A-G.
Other names: c.5876T>C, p.Leu1959Pro (NM_001425324.1); short protein forms L2033P, L1959P.
Identifiers: ClinVar variation 438104 (VCV000438104.4), dbSNP rs1553186896, ClinGen allele CA341278997.